The following is an entry in ClinVar:

NM_001202.6(BMP4):c.592C>T (p.Arg198Ter)

Gene: BMP4 (bone morphogenetic protein 4; minus strand). Cytogenetic location: 14q22.2.
Variant type: single nucleotide variant.
Coding change: c.592C>T on transcript NM_001202.6 (MANE Select); coding-DNA position 592, C replaced by T.
Protein change: p.Arg198Ter; replaces arginine 198 with a stop codon.
Molecular consequence: nonsense.
Genome position (GRCh38, 1-based): chr14:53,950,667, G>A on the plus strand (C>T on the coding strand, the complement: BMP4 is on the minus strand). VCF-style: chr14-53950667-G-A. GRCh37 (hg19) VCF-style: chr14-54417385-G-A.
Other names: c.733C>T, p.Arg245Ter (NM_001347912.1); c.403C>T, p.Arg135Ter (NM_001347913.2, NM_001347915.2, NM_001347917.1); c.592C>T, p.Arg198Ter (NM_001347914.2, NM_001347916.1, NM_130850.5 and 1 more transcripts); short protein forms R198*, R245*, R135*.
Identifiers: ClinVar variation 29616 (VCV000029616.5), dbSNP rs387906597, ClinGen allele CA128505.
Genomic context (GRCh38, chr14:53,950,667, plus strand): 5'-TCACATCAAAAGTTTCCCACCGTGTCACATTGTGGTGGACCAGTCTCGTGTCCAGTAGTC[G>A]TGTGATGAGGTGCCCAGGCACCACTTCTGCTGGGGGCTTCATAACCTCATAAATGTTTAT-3'

ClinVar aggregate classification (germline): Pathogenic. Review status: criteria provided, multiple submitters, no conflicts (2 of 4 stars). 4 submissions from 3 submitters: Pathogenic (2). 2 of the submissions do not count toward it. Last evaluated 2025-10-17.

Conditions:
Inborn genetic diseases. Identifiers: MedGen C0950123, MeSH D030342.
Microphthalmia with brain and digit anomalies (MCOPS6). Also called: Microphthalmia, syndromic 6; MICROPHTHALMIA AND PITUITARY ANOMALIES. Identifiers: Orphanet 139471, MedGen C1864689, MONDO:0011936, OMIM 607932.
Orofacial cleft 11 (OFC11). Also called: Orofacial cleft 11; ofc11; CLEFT LIP WITH OR WITHOUT CLEFT PALATE, NONSYNDROMIC, 11. Identifiers: MedGen C2677434, MONDO:0010906, OMIM 600625.

Submissions (4):

Labcorp Genetics (formerly Invitae), Labcorp
Classification: Pathogenic for Microphthalmia with brain and digit anomalies; Orofacial cleft 11. Last evaluated: 2025-10-17. Review status: criteria provided, single submitter. Criteria: Invitae Variant Classification Sherloc (09022015). Collection method: clinical testing. Allele origin: germline.
Comment: This sequence change creates a premature translational stop signal (p.Arg198*) in the BMP4 gene. While this is not anticipated to result in nonsense mediated decay, it is expected to disrupt the last 211 amino acid(s) of the BMP4 protein. This variant is not present in population databases (gnomAD no frequency). This premature translational stop signal has been observed in individual(s) with BMP4-related conditions (PMID: 19249007, 21340693). In at least one individual the variant was observed to be de novo. ClinVar contains an entry for this variant (Variation ID: 29616). Studies have shown that this premature translational stop signal alters BMP4 gene expression (PMID: 31017898). For these reasons, this variant has been classified as Pathogenic.

Ambry Genetics
Classification: Pathogenic for Inborn genetic diseases. Last evaluated: 2018-10-01. Review status: criteria provided, single submitter. Criteria: Ambry exome assertion method (8-5-2015). Collection method: clinical testing. Allele origin: germline. Affected: yes. Observed: 1 variant allele.

OMIM
Classification: Pathogenic for OROFACIAL CLEFT 11. Last evaluated: 2011-10-01. Review status: no assertion criteria provided. Collection method: literature only. Allele origin: germline. Not counted in ClinVar's aggregate classification.

OMIM
Classification: Pathogenic for MICROPHTHALMIA, SYNDROMIC 6. Last evaluated: 2011-10-01. Review status: no assertion criteria provided. Collection method: literature only. Allele origin: germline. Not counted in ClinVar's aggregate classification.

Literature cited by the submitters: PubMed 19249007 (cited by 3 submitters); PubMed 21340693 (cited by 3 submitters); PubMed 31017898 (cited by Labcorp Genetics (formerly Invitae), Labcorp).